The following is an entry in ClinVar:

NM_032228.6(FAR1):c.397C>T (p.Arg133Ter)

Gene: FAR1 (fatty acyl-CoA reductase 1; plus strand). Cytogenetic location: 11p15.3.
Variant type: single nucleotide variant.
Coding change: c.397C>T on transcript NM_032228.6 (MANE Select); coding-DNA position 397, C replaced by T.
Protein change: p.Arg133Ter; replaces arginine 133 with a stop codon.
Molecular consequence: nonsense.
Genome position (GRCh38, 1-based): chr11:13,707,931, C>T. VCF-style: chr11-13707931-C-T. GRCh37 (hg19) VCF-style: chr11-13729478-C-T.
Other names: short protein forms R133*.
Identifiers: ClinVar variation 2751366 (VCV002751366.3), dbSNP rs1848451807, ClinGen allele CA379856595.

ClinVar aggregate classification (germline): Pathogenic (1 of 4 stars; one submission).

Allele frequency attached by ClinVar (database versions not stated): gnomAD exomes below 0.00001; TOPMed below 0.00001; gnomAD 0.00001.
gnomAD v4.1: 3 of 1,589,302 alleles (0.00019%); highest among the groups gnomAD compares: Non-Finnish European, 0.00026%; no homozygotes.

Submission:

Labcorp Genetics (formerly Invitae), Labcorp
Classification: Pathogenic. Last evaluated: 2023-07-12. Review status: criteria provided, single submitter. Criteria: Invitae Variant Classification Sherloc (09022015). Collection method: clinical testing. Allele origin: germline.
Comment: This sequence change creates a premature translational stop signal (p.Arg133*) in the FAR1 gene. It is expected to result in an absent or disrupted protein product. Loss-of-function variants in FAR1 are known to be pathogenic (PMID: 25439727, 33586168). For these reasons, this variant has been classified as Pathogenic. This variant has not been reported in the literature in individuals affected with FAR1-related conditions. This variant is not present in population databases (gnomAD no frequency).

Literature cited by the submitters: PubMed 25439727; PubMed 33586168.